The following is an entry in ClinVar:

NM_000168.6(GLI3):c.2286T>C (p.Ala762=)

Gene: GLI3 (GLI family zinc finger 3; minus strand). Cytogenetic location: 7p14.1.
Variant type: single nucleotide variant.
Coding change: c.2286T>C on transcript NM_000168.6 (MANE Select); coding-DNA position 2286, T replaced by C.
Protein change: p.Ala762=; no amino-acid change (alanine 762 retained).
Molecular consequence: synonymous variant.
Genome position (GRCh38, 1-based): chr7:41,967,741, A>G on the plus strand (T>C on the coding strand, the complement: GLI3 is on the minus strand). VCF-style: chr7-41967741-A-G. GRCh37 (hg19) VCF-style: chr7-42007339-A-G.
Identifiers: ClinVar variation 3051992 (VCV003051992.3), dbSNP rs146150703, ClinGen allele CA4230649.

ClinVar aggregate classification (germline): Likely benign. Review status: criteria provided, single submitter (1 of 4 stars). 2 submissions from 2 submitters: Likely benign (1). 1 of the submissions does not count toward it. Last evaluated 2025-10-07.

Conditions:
Greig cephalopolysyndactyly syndrome (GCPS). Also called: POLYSYNDACTYLY WITH PECULIAR SKULL SHAPE; Greig syndrome; GLI3-Related Greig Cephalopolysyndactyly Syndrome. Identifiers: Orphanet 380, MedGen C0265306, MONDO:0008287, OMIM 175700.
Pallister-Hall syndrome (PHS). Also called: GLI3-Related Pallister-Hall Syndrome; HYPOTHALAMIC HAMARTOBLASTOMA, HYPOPITUITARISM, IMPERFORATE ANUS, AND POSTAXIAL POLYDACTYLY. Identifiers: Orphanet 672, MedGen C0265220, MONDO:0007804, OMIM 146510.
GLI3-related disorder. Also called: GLI3-related disorders; GLI3-related condition. Identifiers: MedGen CN239292.

Allele frequency attached by ClinVar (database versions not stated): gnomAD exomes 0.00001; ExAC 0.00003; ESP Exome Variant Server 0.00008; gnomAD 0.00008; TOPMed 0.00012.
gnomAD v4.1: 24 of 1,614,046 alleles (0.0015%); highest among the groups gnomAD compares: African/African-American, 0.032%; no homozygotes.

Submissions (2):

Labcorp Genetics (formerly Invitae), Labcorp
Classification: Likely benign for Pallister-Hall syndrome; Greig cephalopolysyndactyly syndrome. Last evaluated: 2025-10-07. Review status: criteria provided, single submitter. Criteria: Invitae Variant Classification Sherloc (09022015). Collection method: clinical testing. Allele origin: germline.

PreventionGenetics, part of Exact Sciences
Classification: Likely benign for GLI3-related condition. Last evaluated: 2023-08-15. Review status: no assertion criteria provided. Collection method: clinical testing. Allele origin: germline. Not counted in ClinVar's aggregate classification.
Comment: This variant is classified as likely benign based on ACMG/AMP sequence variant interpretation guidelines (Richards et al. 2015 PMID: 25741868, with internal and published modifications).